The following is an entry in ClinVar:

NM_001040142.2(SCN2A):c.-51-1637G>T

Gene: SCN2A (sodium voltage-gated channel alpha subunit 2; plus strand). Cytogenetic location: 2q24.3.
Variant type: single nucleotide variant.
Coding change: c.-51-1637G>T on transcript NM_001040142.2 (MANE Select); 1637 bases into the intron before 51 bases upstream of the start codon, G replaced by T.
Molecular consequence: intron variant. On other transcripts: splice donor variant (1).
Genome position (GRCh38, 1-based): chr2:165,294,136, G>T. VCF-style: chr2-165294136-G-T. GRCh37 (hg19) VCF-style: chr2-166150646-G-T.
Other names: c.-51-1637G>T (NM_001040143.2, NM_001371246.1, NM_001371247.1); c.-52+1G>T (NM_021007.3).
Identifiers: ClinVar variation 2579570 (VCV002579570.1), dbSNP rs1266226093, ClinGen allele CA760117796.

ClinVar aggregate classification (germline): Uncertain significance (1 of 4 stars; one submission).

Allele frequency attached by ClinVar (database versions not stated): TOPMed 0.00001.

Submission:

GeneDx
Classification: Uncertain significance. Last evaluated: 2023-03-06. Review status: criteria provided, single submitter. Criteria: GeneDx Variant Classification Process June 2021. Collection method: clinical testing. Allele origin: germline. Affected: yes.
Comment: Canonical splice site variant expected to result in aberrant splicing, although in the absence of functional evidence the actual effect of this sequence change is unknown.; Has not been previously published as pathogenic or benign to our knowledge